The following is an entry in ClinVar:

NM_012293.3(PXDN):c.3556G>C (p.Glu1186Gln)

Gene: PXDN (peroxidasin; minus strand). Cytogenetic location: 2p25.3.
Variant type: single nucleotide variant.
Coding change: c.3556G>C on transcript NM_012293.3 (MANE Select); coding-DNA position 3556, G replaced by C.
Protein change: p.Glu1186Gln; replaces glutamic acid 1186 with glutamine.
Molecular consequence: missense variant.
Genome position (GRCh38, 1-based): chr2:1,648,224, C>G on the plus strand (G>C on the coding strand, the complement: PXDN is on the minus strand). VCF-style: chr2-1648224-C-G. GRCh37 (hg19) VCF-style: chr2-1651996-C-G.
Other names: short protein forms E1186Q.
Identifiers: ClinVar variation 2384513 (VCV002384513.3), dbSNP rs199680670, ClinGen allele CA1512708.
Genomic context (GRCh38, chr2:1,648,224, plus strand): 5'-CAGCTCACCTTTTCAGTTTCTCCCGGATCTCAGGGTTTTTAATCTCATTTTTCAGGTCCT[C>G]GAACGTGTGTGCCGCCGATAGATTGCAGTAGACCCTGTAGTCGTGGTAGGGTGGGATCCC-3'
Protein context (NP_036425.1, residues 1176-1196): YCNLSAAHTF[Glu1186Gln]DLKNEIKNPE

ClinVar aggregate classification (germline): Uncertain significance. Review status: criteria provided, multiple submitters, no conflicts (2 of 4 stars). 2 submissions from 2 submitters: Uncertain significance (2). Last evaluated 2025-08-31.

Conditions:
Anterior segment dysgenesis 7 (ASGD7). Also called: SCLEROCORNEA WITH OTHER OCULAR ANOMALIES; Anterior segment dysgenesis 7, with sclerocornea. Identifiers: Orphanet 289499, MedGen C3151617, MONDO:0010015, OMIM 269400.
Inborn genetic diseases. Identifiers: MedGen C0950123, MeSH D030342.

Allele frequency attached by ClinVar (database versions not stated): ESP Exome Variant Server 0.00008.
gnomAD v4.1: 152 of 1,613,730 alleles (0.0094%); highest among the groups gnomAD compares: Middle Eastern, 0.016%; no homozygotes.

Submissions (2):

Labcorp Genetics (formerly Invitae), Labcorp
Classification: Uncertain significance for Anterior segment dysgenesis 7. Last evaluated: 2025-08-31. Review status: criteria provided, single submitter. Criteria: Invitae Variant Classification Sherloc (09022015). Collection method: clinical testing. Allele origin: germline.
Comment: This sequence change replaces glutamic acid, which is acidic and polar, with glutamine, which is neutral and polar, at codon 1186 of the PXDN protein (p.Glu1186Gln). This variant is present in population databases (rs199680670, gnomAD 0.01%). This variant has not been reported in the literature in individuals affected with PXDN-related conditions. ClinVar contains an entry for this variant (Variation ID: 2384513). Invitae Evidence Modeling of protein sequence and biophysical properties (such as structural, functional, and spatial information, amino acid conservation, physicochemical variation, residue mobility, and thermodynamic stability) has been performed for this missense variant. However, the output from this modeling did not meet the statistical confidence thresholds required to predict the impact of this variant on PXDN protein function. In summary, the available evidence is currently insufficient to determine the role of this variant in disease. Therefore, it has been classified as a Variant of Uncertain Significance.

Ambry Genetics
Classification: Uncertain significance for Inborn genetic diseases. Last evaluated: 2022-11-21. Review status: criteria provided, single submitter. Criteria: Ambry Variant Classification Scheme 2023. Collection method: clinical testing. Allele origin: germline.